The following is an entry in ClinVar:

ClinVar aggregate classification (germline): Uncertain significance (1 of 4 stars; one submission).

Allele frequency attached by ClinVar (database versions not stated): TOPMed below 0.00001.

Submission:

Labcorp Genetics (formerly Invitae), Labcorp
Classification: Uncertain significance. Last evaluated: 2022-05-19. Review status: criteria provided, single submitter. Criteria: Invitae Variant Classification Sherloc (09022015). Collection method: clinical testing. Allele origin: germline.
Comment: In summary, the available evidence is currently insufficient to determine the role of this variant in disease. Therefore, it has been classified as a Variant of Uncertain Significance. This sequence change replaces serine, which is neutral and polar, with glycine, which is neutral and non-polar, at codon 223 of the ERCC6 protein (p.Ser223Gly). This variant is not present in population databases (gnomAD no frequency). This variant has not been reported in the literature in individuals affected with ERCC6-related conditions. Algorithms developed to predict the effect of missense changes on protein structure and function (SIFT, PolyPhen-2, Align-GVGD) all suggest that this variant is likely to be tolerated.

NM_000124.4(ERCC6):c.667A>G (p.Ser223Gly)

Gene: ERCC6 (ERCC excision repair 6, chromatin remodeling factor; minus strand). Cytogenetic location: 10q11.23.
Variant type: single nucleotide variant.
Coding change: c.667A>G on transcript NM_000124.4 (MANE Select); coding-DNA position 667, A replaced by G.
Protein change: p.Ser223Gly; replaces serine 223 with glycine.
Molecular consequence: missense variant.
Genome position (GRCh38, 1-based): chr10:49,524,763, T>C on the plus strand (A>G on the coding strand, the complement: ERCC6 is on the minus strand). VCF-style: chr10-49524763-T-C. GRCh37 (hg19) VCF-style: chr10-50732809-T-C.
Other names: c.667A>G, p.Ser223Gly (NM_001277058.2, NM_001277059.2, NM_001346440.2); short protein forms S223G.
Identifiers: ClinVar variation 1996462 (VCV001996462.4), dbSNP rs1374395598, ClinGen allele CA376755612.